The following is an entry in ClinVar:

ClinVar aggregate classification (germline): Conflicting classifications of pathogenicity. Review status: criteria provided, conflicting classifications (1 of 4 stars). 7 submissions from 7 submitters: Uncertain significance (6); Likely benign (1). Last evaluated 2025-12-09.

Conditions:
Hereditary nonpolyposis colorectal neoplasms. Identifiers: MedGen C0009405, MeSH D003123.
Hereditary cancer-predisposing syndrome. Also called: Tumor predisposition; Hereditary neoplastic syndrome; Hereditary Cancer Syndrome; Neoplastic Syndromes, Hereditary. Identifiers: Orphanet 140162, MedGen C0027672, MeSH D009386, MONDO:0015356.

Allele frequency attached by ClinVar (database versions not stated): ExAC 0.00001; gnomAD exomes 0.00001.
gnomAD v4.1: 4 of 1,614,132 alleles (0.00025%); highest among the groups gnomAD compares: Admixed American, 0.0033%; no homozygotes.

Submissions (7):

Labcorp Genetics (formerly Invitae), Labcorp
Classification: Likely benign for Hereditary nonpolyposis colorectal neoplasms. Last evaluated: 2025-12-09. Review status: criteria provided, single submitter. Criteria: Invitae Variant Classification Sherloc (09022015). Collection method: clinical testing. Allele origin: germline.

Ambry Genetics
Classification: Uncertain significance for Hereditary cancer-predisposing syndrome. Last evaluated: 2025-12-04. Review status: criteria provided, single submitter. Criteria: Ambry Variant Classification Scheme 2023. Collection method: clinical testing. Allele origin: germline.

Center for Genomic Medicine, Rigshospitalet, Copenhagen University Hospital
Classification: Uncertain significance. Last evaluated: 2025-03-04. Review status: criteria provided, single submitter. Criteria: ACMG Guidelines, 2015. Collection method: clinical testing. Allele origin: germline.
Comment: Classification criteria: PP3, PM2_supporting, PM5_supporting

Quest Diagnostics Nichols Institute San Juan Capistrano
Classification: Uncertain significance. Last evaluated: 2021-03-10. Review status: criteria provided, single submitter. Criteria: Quest Diagnostics criteria. Collection method: clinical testing. Allele origin: unknown.

Color Diagnostics, LLC DBA Color Health
Classification: Uncertain significance for Hereditary cancer-predisposing syndrome. Last evaluated: 2020-08-25. Review status: criteria provided, single submitter. Criteria: ACMG Guidelines, 2015. Collection method: clinical testing. Allele origin: germline.
Comment: This missense variant replaces arginine with glutamine at codon 482 of the MSH6 protein. Computational prediction suggests that this variant may have deleterious impact on protein structure and function (internally defined REVEL score threshold >= 0.7, PMID: 27666373). To our knowledge, functional studies have not been reported for this variant. This variant has not been reported in individuals affected with hereditary cancer in the literature. This variant has been identified in 2/251144 chromosomes in the general population by the Genome Aggregation Database (gnomAD). The available evidence is insufficient to determine the role of this variant in disease conclusively. Therefore, this variant is classified as a Variant of Uncertain Significance.

GeneDx
Classification: Uncertain significance. Last evaluated: 2019-10-21. Review status: criteria provided, single submitter. Criteria: GeneDx Variant Classification Process June 2021. Collection method: clinical testing. Allele origin: germline. Affected: yes.
Comment: Not observed at a significant frequency in large population cohorts (Lek 2016); In silico analysis, which includes protein predictors and evolutionary conservation, supports a deleterious effect; Has not been previously published as pathogenic or benign to our knowledge; This variant is associated with the following publications: (PMID: 31480372)

Blueprint Genetics
Classification: Uncertain significance. Last evaluated: 2018-03-29. Review status: criteria provided, single submitter. Criteria: ACMG Guidelines, 2015. Collection method: clinical testing. Allele origin: germline.

NM_000179.3(MSH6):c.1445G>A (p.Arg482Gln)

Gene: MSH6 (mutS homolog 6; plus strand). Cytogenetic location: 2p16.3.
Variant type: single nucleotide variant.
Coding change: c.1445G>A on transcript NM_000179.3 (MANE Select); coding-DNA position 1445, G replaced by A.
Protein change: p.Arg482Gln; replaces arginine 482 with glutamine.
Molecular consequence: missense variant.
Genome position (GRCh38, 1-based): chr2:47,799,428, G>A. VCF-style: chr2-47799428-G-A. GRCh37 (hg19) VCF-style: chr2-48026567-G-A.
Other names: c.1055G>A, p.Arg352Gln (NM_001281492.2); c.539G>A, p.Arg180Gln (NM_001281493.2, NM_001281494.2); short protein forms R482Q, R352Q, R180Q.
Identifiers: ClinVar variation 480834 (VCV000480834.25), dbSNP rs773226008, ClinGen allele CA067642.